The following is an entry in ClinVar:

ClinVar aggregate classification (germline): Benign. Review status: criteria provided, multiple submitters, no conflicts (2 of 4 stars). 3 submissions from 3 submitters: Benign (2). 1 of the submissions does not count toward it. Last evaluated 2019-12-31.

Conditions:
LRP1-related disorder. Also called: LRP1-related condition.

Allele frequency attached by ClinVar (database versions not stated): ESP Exome Variant Server 0.00031; TOPMed 0.00221; gnomAD 0.00247; gnomAD exomes 0.00406; ExAC 0.00448; 1000 Genomes Project 0.01318.
gnomAD v4.1: 1,798 of 1,562,872 alleles (0.12%); highest among the groups gnomAD compares: East Asian, 3%; 38 homozygotes.

Submissions (3):

Labcorp Genetics (formerly Invitae), Labcorp
Classification: Benign. Last evaluated: 2019-12-31. Review status: criteria provided, single submitter. Criteria: Invitae Variant Classification Sherloc (09022015). Collection method: clinical testing. Allele origin: germline.

Breakthrough Genomics
Classification: Benign. Review status: criteria provided, single submitter. Criteria: ACMG Guidelines, 2015. Collection method: not provided. Allele origin: germline. Inheritance: Autosomal recessive inheritance. Affected: yes.

PreventionGenetics, part of Exact Sciences
Classification: Benign for LRP1-related condition. Last evaluated: 2019-10-22. Review status: no assertion criteria provided. Collection method: clinical testing. Allele origin: germline. Not counted in ClinVar's aggregate classification.
Comment: This variant is classified as benign based on ACMG/AMP sequence variant interpretation guidelines (Richards et al. 2015 PMID: 25741868, with internal and published modifications).

NM_002332.3(LRP1):c.10711+4C>T

Gene: LRP1 (LDL receptor related protein 1; plus strand). Cytogenetic location: 12q13.3.
Variant type: single nucleotide variant.
Coding change: c.10711+4C>T on transcript NM_002332.3 (MANE Select); 4 bases into the intron after coding-DNA position 10711, C replaced by T.
Molecular consequence: intron variant.
Genome position (GRCh38, 1-based): chr12:57,202,541, C>T. VCF-style: chr12-57202541-C-T. GRCh37 (hg19) VCF-style: chr12-57596324-C-T.
Identifiers: ClinVar variation 773832 (VCV000773832.7), dbSNP rs190093413, ClinGen allele CA6645040.
Genomic context (GRCh38, chr12:57,202,541, plus strand): 5'-GCTGGCAGTGCGACTACGACAACGATTGCGGTGACAACTCCGATGAAGAGAGCTGCAGTA[C>T]GTCCCCACCCACCCAGCCCCGCATGAGCCCCTCCCAGGCCTGGCCCTTGTCTCGCGGCCC-3'